The following is an entry in ClinVar:

ClinVar aggregate classification (germline): Pathogenic. Review status: criteria provided, multiple submitters, no conflicts (2 of 4 stars). 3 submissions from 3 submitters: Pathogenic (3). Last evaluated 2026-09-08.

Conditions:
Fabry disease. Also called: Ceramide trihexosidosis; ALPHA-GALACTOSIDASE A DEFICIENCY; ANDERSON-FABRY DISEASE; CERAMIDE TRIHEXOSIDASE DEFICIENCY; GLA DEFICIENCY; HEREDITARY DYSTOPIC LIPIDOSIS. Identifiers: Orphanet 324, MedGen C0002986, MONDO:0010526, OMIM 301500, HP:0001071. Disease mechanism: Fabry disease is due to inactivating mutations in the X-linked GLA gene resulting in deficiency of the enzyme Alpha Galactosidase-A., loss of function.

Submissions (3):

Genomenon, Inc
Classification: Pathogenic for Fabry disease. Last evaluated: 2026-09-08. Review status: criteria provided, single submitter. Criteria: Genomenon Sequence Variant Interpretation Standards - Updated. Collection method: curation. Allele origin: germline. Affected: yes.
Comment: GLA p.Arg301Pro (c.902G>C) is a missense variant that changes the amino acid at codon 301 from Arginine to Proline. This variant has been observed in at least one proband with clinical features consistent with Fabry disease (PMID:17160618;33915609;32843101;23818648;16541218;32647377;31093369;27657681;17057070;35850452). The variant was found to segregate with disease in at least one affected family (PMID:35850452;23818648;16541218;17057070). At least one functional study has demonstrated a substantial alteration in protein function relative to the wild-type (PMID:32023956;22004918;27657681). It is absent or not present at a significant frequency in gnomAD. In silico models predict that this variant is possibly or probably damaging. In conclusion, we classify GLA p.Arg301Pro (c.902G>C) as a pathogenic variant.

Women's Health and Genetics/Laboratory Corporation of America, LabCorp
Classification: Pathogenic for Fabry disease. Last evaluated: 2026-01-02. Review status: criteria provided, single submitter. Criteria: LabCorp Variant Classification Summary - May 2015. Collection method: clinical testing. Allele origin: germline.
Comment: Variant summary: GLA c.902G>C (p.Arg301Pro) results in a non-conservative amino acid change in the encoded protein sequence. Algorithms developed to predict the effect of missense changes on protein structure and function all suggest that this variant is likely to be disruptive. The variant was absent in 183457 control chromosomes. c.902G>C has been observed in hemizygous males and heterozygous females individual(s) affected with Fabry Disease (example, Marino_2006). These data indicate that the variant is likely to be associated with disease. A different variant affecting the same codon has been classified as likely pathogenic/pathogenic by our lab (c.901C>G, p.Arg301Gly), supporting the critical relevance of codon 301 to GLA protein function. At least one publication reports experimental evidence evaluating an impact on protein function (Marino_2006). The most pronounced variant effect results in <10% of normal alpha Galactosidase activity. The following publications have been ascertained in the context of this evaluation (PMID: 16541218, 23818648). ClinVar contains an entry for this variant (Variation ID: 1455597). Based on the evidence outlined above, the variant was classified as pathogenic.

Labcorp Genetics (formerly Invitae), Labcorp
Classification: Pathogenic for Fabry disease. Last evaluated: 2021-05-19. Review status: criteria provided, single submitter. Criteria: Invitae Variant Classification Sherloc (09022015). Collection method: clinical testing. Allele origin: germline.
Comment: For these reasons, this variant has been classified as Pathogenic. This variant disrupts the p.Arg301 amino acid residue in GLA. Other variant(s) that disrupt this residue have been determined to be pathogenic (PMID: 12175777, 23935525, 27657681, Invitae). This suggests that this residue is clinically significant, and that variants that disrupt this residue are likely to be disease-causing. Experimental studies have shown that this variant affects GLA protein function (PMID: 22004918, 23935525). This variant has been observed in individual(s) with Fabry disease (PMID: 11322659, 27834756, 15702404, Invitae). This variant is not present in population databases (ExAC no frequency). This sequence change replaces arginine with proline at codon 301 of the GLA protein (p.Arg301Pro). The arginine residue is highly conserved and there is a moderate physicochemical difference between arginine and proline.

Literature cited by the submitters: PubMed 17160618 (cited by Genomenon, Inc); PubMed 33915609 (cited by Genomenon, Inc); PubMed 32843101 (cited by Genomenon, Inc); PubMed 23818648 (cited by Genomenon, Inc and Women's Health and Genetics/Laboratory Corporation of America, LabCorp); PubMed 16541218 (cited by Genomenon, Inc and Women's Health and Genetics/Laboratory Corporation of America, LabCorp); PubMed 32647377 (cited by Genomenon, Inc); PubMed 31093369 (cited by Genomenon, Inc); PubMed 27657681 (cited by Genomenon, Inc and Labcorp Genetics (formerly Invitae), Labcorp); PubMed 17057070 (cited by Genomenon, Inc); PubMed 35850452 (cited by Genomenon, Inc); PubMed 32023956 (cited by Genomenon, Inc); PubMed 22004918 (cited by Genomenon, Inc and Labcorp Genetics (formerly Invitae), Labcorp); PubMed 12175777 (cited by Labcorp Genetics (formerly Invitae), Labcorp); PubMed 23935525 (cited by Labcorp Genetics (formerly Invitae), Labcorp); PubMed 11322659 (cited by Labcorp Genetics (formerly Invitae), Labcorp); PubMed 27834756 (cited by Labcorp Genetics (formerly Invitae), Labcorp); PubMed 15702404 (cited by Labcorp Genetics (formerly Invitae), Labcorp).

NM_000169.3(GLA):c.902G>C (p.Arg301Pro)

Genes: GLA (galactosidase alpha; minus strand), RPL36A-HNRNPH2 (RPL36A-HNRNPH2 readthrough; plus strand). Cytogenetic location: Xq22.1.
Variant type: single nucleotide variant.
Coding change: c.902G>C on transcript NM_000169.3 (MANE Select); coding-DNA position 902, G replaced by C.
Protein change: p.Arg301Pro; replaces arginine 301 with proline.
Molecular consequence: missense variant. On other transcripts: non-coding transcript variant (3), intron variant (2).
Genome position (GRCh38, 1-based): chrX:101,398,467, C>G on the plus strand (G>C on the coding strand, the complement: GLA is on the minus strand). VCF-style: chrX-101398467-C-G. GRCh37 (hg19) VCF-style: chrX-100653455-C-G.
Other names: c.1025G>C, p.Arg342Pro (NM_001406747.1); c.902G>C, p.Arg301Pro (NM_001406748.1); c.300+3010C>G (NM_001199973.2); c.177+6645C>G (NM_001199974.2); short protein forms R301P, R342P.
Identifiers: ClinVar variation 1455597 (VCV001455597.11), dbSNP rs104894828, ClinGen allele CA352275.